The following is an entry in ClinVar:

NM_020822.3(KCNT1):c.2369A>C (p.Tyr790Ser)

Gene: KCNT1 (potassium sodium-activated channel subfamily T member 1; plus strand). Cytogenetic location: 9q34.3.
Variant type: single nucleotide variant.
Coding change: c.2369A>C on transcript NM_020822.3 (MANE Select); coding-DNA position 2369, A replaced by C.
Protein change: p.Tyr790Ser; replaces tyrosine 790 with serine.
Molecular consequence: missense variant.
Genome position (GRCh38, 1-based): chr9:135,777,357, A>C. VCF-style: chr9-135777357-A-C. GRCh37 (hg19) VCF-style: chr9-138669203-A-C.
Other names: c.2234A>C, p.Tyr745Ser (NM_001272003.2); short protein forms Y745S, Y790S.
Identifiers: ClinVar variation 3755540 (VCV003755540.2).

ClinVar aggregate classification (germline): Uncertain significance (1 of 4 stars; one submission).

Conditions:
Autosomal dominant nocturnal frontal lobe epilepsy 5. Also called: KCNT1-Related Epilepsy; CILIARY DYSKINESIA, PRIMARY, 28, WITHOUT SITUS INVERSUS; CILIARY DYSKINESIA, PRIMARY, 28, WITH SITUS INVERSUS; Epilepsy, nocturnal frontal lobe, 5. Identifiers: Orphanet 98784, MedGen C3554306, MONDO:0014002, OMIM 615005.
Developmental and epileptic encephalopathy, 14 (DEE14). Also called: Early infantile epileptic encephalopathy 14. Identifiers: Orphanet 293181, MedGen C3554195, MONDO:0013989, OMIM 614959.

Submission:

Labcorp Genetics (formerly Invitae), Labcorp
Classification: Uncertain significance for Autosomal dominant nocturnal frontal lobe epilepsy 5; Developmental and epileptic encephalopathy, 14. Last evaluated: 2024-03-27. Review status: criteria provided, single submitter. Criteria: Invitae Variant Classification Sherloc (09022015). Collection method: clinical testing. Allele origin: germline.
Comment: This sequence change replaces tyrosine, which is neutral and polar, with serine, which is neutral and polar, at codon 790 of the KCNT1 protein (p.Tyr790Ser). This variant is not present in population databases (gnomAD no frequency). This variant has not been reported in the literature in individuals affected with KCNT1-related conditions. Advanced modeling of protein sequence and biophysical properties (such as structural, functional, and spatial information, amino acid conservation, physicochemical variation, residue mobility, and thermodynamic stability) performed at Invitae indicates that this missense variant is not expected to disrupt KCNT1 protein function with a negative predictive value of 80%. In summary, the available evidence is currently insufficient to determine the role of this variant in disease. Therefore, it has been classified as a Variant of Uncertain Significance.